The following is an entry in ClinVar:

ClinVar aggregate classification (germline): Uncertain significance (1 of 4 stars; one submission).

Submission:

GeneDx
Classification: Uncertain significance. Last evaluated: 2025-08-12. Review status: criteria provided, single submitter. Criteria: GeneDx Variant Classification Process June 2021. Collection method: clinical testing. Allele origin: germline. Affected: yes.
Comment: In silico analysis suggests that this missense variant does not alter protein structure/function; Has not been previously published as pathogenic or benign to our knowledge

NM_001127464.1:c.7511G>T

Gene: ZNF469 (zinc finger protein 469; plus strand).
Variant type: single nucleotide variant.
Identifiers: ClinVar variation 4795378 (VCV004795378.1).